The following is an entry in ClinVar:

NM_000452.3(SLC10A2):c.496+3A>G

Gene: SLC10A2 (solute carrier family 10 member 2; minus strand). Cytogenetic location: 13q33.1.
Variant type: single nucleotide variant.
Coding change: c.496+3A>G on transcript NM_000452.3 (MANE Select); 3 bases into the intron after coding-DNA position 496, A replaced by G.
Molecular consequence: intron variant.
Genome position (GRCh38, 1-based): chr13:103,058,261, T>C on the plus strand (A>G on the coding strand, the complement: SLC10A2 is on the minus strand). VCF-style: chr13-103058261-T-C. GRCh37 (hg19) VCF-style: chr13-103710611-T-C.
Identifiers: ClinVar variation 4710148 (VCV004710148.1).

ClinVar aggregate classification (germline): Uncertain significance (1 of 4 stars; one submission).

gnomAD v4.1: 11 of 1,512,106 alleles (0.00073%); highest among the groups gnomAD compares: Non-Finnish European, 0.001%; no homozygotes.

Submission:

Labcorp Genetics (formerly Invitae), Labcorp
Classification: Uncertain significance. Last evaluated: 2026-01-07. Review status: criteria provided, single submitter. Criteria: Invitae Variant Classification Sherloc (09022015). Collection method: clinical testing. Allele origin: germline.
Comment: This sequence change falls in intron 2 of the SLC10A2 gene. It does not directly change the encoded amino acid sequence of the SLC10A2 protein. It affects a nucleotide within the consensus splice site. This variant is present in population databases (rs750598336, gnomAD 0.0009%). This variant has not been reported in the literature in individuals affected with SLC10A2-related conditions. Variants that disrupt the consensus splice site are a relatively common cause of aberrant splicing (PMID: 17576681, 9536098). Algorithms developed to predict the effect of sequence changes on RNA splicing suggest that this variant is not likely to affect RNA splicing. In summary, the available evidence is currently insufficient to determine the role of this variant in disease. Therefore, it has been classified as a Variant of Uncertain Significance.

Literature cited by the submitters: PubMed 17576681; PubMed 9536098.